The following is an entry in ClinVar:

NM_015046.7(SETX):c.794A>G (p.Asp265Gly)

Gene: SETX (senataxin; minus strand). Cytogenetic location: 9q34.13.
Variant type: single nucleotide variant.
Coding change: c.794A>G on transcript NM_015046.7 (MANE Select); coding-DNA position 794, A replaced by G.
Protein change: p.Asp265Gly; replaces aspartic acid 265 with glycine.
Molecular consequence: missense variant.
Genome position (GRCh38, 1-based): chr9:132,334,652, T>C on the plus strand (A>G on the coding strand, the complement: SETX is on the minus strand). VCF-style: chr9-132334652-T-C. GRCh37 (hg19) VCF-style: chr9-135210039-T-C.
Other names: c.794A>G, p.Asp265Gly (NM_001351527.2, NM_001351528.2); short protein forms D265G.
Identifiers: ClinVar variation 1761351 (VCV001761351.5), dbSNP rs527394446, ClinGen allele CA5297940.

ClinVar aggregate classification (germline): Conflicting classifications of pathogenicity. Review status: criteria provided, conflicting classifications (1 of 4 stars). 3 submissions from 3 submitters: Uncertain significance (2); Likely benign (1). Last evaluated 2025-04-06.

Conditions:
Spinocerebellar ataxia, autosomal recessive, with axonal neuropathy 2 (SCAN2). Also called: ATAXIA-OCULOMOTOR APRAXIA 2; Ataxia with Oculomotor Apraxia; Ataxia-ocular apraxia-2; Ataxia with Oculomotor Apraxia Type 2. Identifiers: Orphanet 64753, MedGen C1853761, MONDO:0018996, OMIM 606002.
Amyotrophic lateral sclerosis type 4 (ALS4). Also called: AMYOTROPHIC LATERAL SCLEROSIS 4, JUVENILE; NEURONOPATHY, DISTAL HEREDITARY MOTOR, WITH PYRAMIDAL FEATURES. Identifiers: Orphanet 357043, MedGen C1865409, MONDO:0011223, OMIM 602433.
Inborn genetic diseases. Identifiers: MedGen C0950123, MeSH D030342.

Allele frequency attached by ClinVar (database versions not stated): ExAC 0.00001; gnomAD 0.00001; TOPMed 0.00001; gnomAD exomes 0.00002.
gnomAD v4.1: 34 of 1,613,986 alleles (0.0021%); highest among the groups gnomAD compares: Non-Finnish European, 0.0028%; no homozygotes.

Submissions (3):

Labcorp Genetics (formerly Invitae), Labcorp
Classification: Likely benign for Amyotrophic lateral sclerosis type 4; Spinocerebellar ataxia, autosomal recessive, with axonal neuropathy 2. Last evaluated: 2025-04-06. Review status: criteria provided, single submitter. Criteria: Invitae Variant Classification Sherloc (09022015). Collection method: clinical testing. Allele origin: germline.

Blueprint Genetics
Classification: Uncertain significance. Last evaluated: 2022-03-02. Review status: criteria provided, single submitter. Criteria: ACMG Guidelines, 2015. Collection method: clinical testing. Allele origin: germline.

Ambry Genetics
Classification: Uncertain significance for Inborn genetic diseases. Last evaluated: 2022-02-03. Review status: criteria provided, single submitter. Criteria: Ambry Variant Classification Scheme 2023. Collection method: clinical testing. Allele origin: germline.
Comment: The p.D265G variant (also known as c.794A>G), located in coding exon 5 of the SETX gene, results from an A to G substitution at nucleotide position 794. The aspartic acid at codon 265 is replaced by glycine, an amino acid with similar properties. This amino acid position is highly conserved in available vertebrate species. In addition, the in silico prediction for this alteration is inconclusive. Since supporting evidence is limited at this time, the clinical significance of this alteration remains unclear.